The following is an entry in ClinVar:

ClinVar aggregate classification (germline): Likely benign (1 of 4 stars; one submission).

Allele frequency attached by ClinVar (database versions not stated): gnomAD exomes below 0.00001.
gnomAD v4.1: 5 of 1,612,152 alleles (0.00031%); highest among the groups gnomAD compares: Non-Finnish European, 0.00034%; no homozygotes.

Submission:

CeGaT Center for Human Genetics Tuebingen
Classification: Likely benign. Last evaluated: 2023-05-01. Review status: criteria provided, single submitter. Criteria: CeGaT Center For Human Genetics Tuebingen Variant Classification Criteria Version 2. Collection method: clinical testing. Allele origin: germline. Affected: yes. Observed: 1 variant allele.
Comment: TMEM147: BP4, BP7

NM_032635.4(TMEM147):c.6C>T (p.Thr2=)

Genes: TMEM147 (transmembrane protein 147; plus strand), TMEM147-AS1 (TMEM147 antisense RNA 1; minus strand). Cytogenetic location: 19q13.12.
Variant type: single nucleotide variant.
Coding change: c.6C>T on transcript NM_032635.4 (MANE Select); coding-DNA position 6, C replaced by T.
Protein change: p.Thr2=; no amino-acid change (threonine 2 retained).
Molecular consequence: synonymous variant. On other transcripts: 5 prime UTR variant (1).
Genome position (GRCh38, 1-based): chr19:35,545,745, C>T. VCF-style: chr19-35545745-C-T. GRCh37 (hg19) VCF-style: chr19-36036647-C-T.
Other names: c.-213C>T (NM_001242597.2); c.6C>T, p.Thr2= (NM_001242598.2).
Identifiers: ClinVar variation 2571038 (VCV002571038.27), dbSNP rs2514729165, ClinGen allele CA507068800.
Genomic context (GRCh38, chr19:35,545,745, plus strand): 5'-TCCCGGAGACGCCGCCTCGCGATCCCCGCGCGGGCGGGACCGGGCGGCCGGCATCATGAC[C>T]CTGTTTCACTTCGGGAACTGCTTCGCTCTTGCCTACTTCCCCTACTTCATCACCTACAAG-3'
Protein context (NP_116024.1, residues 1-12): M[Thr2=]LFHFGNCFAL